The following is an entry in ClinVar:

ClinVar aggregate classification (germline): Uncertain significance (1 of 4 stars; one submission).

Submission:

Ambry Genetics
Classification: Uncertain significance. Last evaluated: 2025-02-03. Review status: criteria provided, single submitter. Criteria: Ambry Variant Classification Scheme 2023. Collection method: clinical testing. Allele origin: germline.
Comment: The p.T289I variant (also known as c.866C>T), located in coding exon 1 of the CDK12 gene, results from a C to T substitution at nucleotide position 866. The threonine at codon 289 is replaced by isoleucine, an amino acid with similar properties. This amino acid position is conserved. In addition, this alteration is predicted to be tolerated by in silico analysis. Based on the available evidence, the clinical significance of this variant remains unclear.

NM_016507.4(CDK12):c.866C>T (p.Thr289Ile)

Genes: CDK12 (cyclin dependent kinase 12; plus strand), LOC126862553 (CDK7 strongly-dependent group 2 enhancer GRCh37_chr17:37618166-37619365; plus strand). Cytogenetic location: 17q12.
Variant type: single nucleotide variant.
Coding change: c.866C>T on transcript NM_016507.4 (MANE Select); coding-DNA position 866, C replaced by T.
Protein change: p.Thr289Ile; replaces threonine 289 with isoleucine.
Molecular consequence: missense variant.
Genome position (GRCh38, 1-based): chr17:39,462,937, C>T. VCF-style: chr17-39462937-C-T. GRCh37 (hg19) VCF-style: chr17-37619190-C-T.
Other names: c.866C>T, p.Thr289Ile (NM_015083.4); short protein forms T289I.
Identifiers: ClinVar variation 3830601 (VCV003830601.1).